The following is an entry in ClinVar:

ClinVar aggregate classification (germline): Pathogenic (1 of 4 stars; one submission).

Conditions:
Cataract 6 multiple types. Also called: CATARACT, AGE-RELATED CORTICAL, 2; CATARACT 6, POSTERIOR POLAR; CATARACT 6, CONGENITAL TOTAL. Identifiers: Orphanet 91492, MedGen C1861825, MONDO:0007288, OMIM 116600.

Submission:

Foundation for Research in Genetics and Endocrinology, FRIGE's Institute of Human Genetics
Classification: Pathogenic for Cataract 6 multiple types. Last evaluated: 2022-02-21. Review status: criteria provided, single submitter. Criteria: ACMG Guidelines, 2015. Collection method: clinical testing. Allele origin: germline. Inheritance: Autosomal dominant inheritance. Affected: yes. Observed: 1 heterozygote.
Comment: A heterozygous 5’splice site variation in intron 16 of the EPHA2 gene that affects the invariant GT donor splice site upstream of exon 16 was detected. The observed variant c.2825+2del has not been reported in the 1000 genomes and gnomAD databases.The in silico prediction of the variant is damaging by LRT and MutationTaster2. The reference codon is conserved across primates.

NM_004431.5(EPHA2):c.2825+2del

Gene: EPHA2 (EPH receptor A2; minus strand). Cytogenetic location: 1p36.13.
Variant type: Deletion.
Coding change: c.2825+2del on transcript NM_004431.5 (MANE Select); the canonical splice donor site of the intron after coding-DNA position 2825, one base deleted (T; older notation c.2825+2delT).
Molecular consequence: splice donor variant.
Genome position (GRCh38, 1-based): chr1:16,129,432, A deleted on the plus strand (T on the coding strand, the reverse complement: EPHA2 is on the minus strand). VCF-style (leftmost placement, unchanged base first): chr1-16129431-TA-T. GRCh37 (hg19) VCF-style: chr1-16455926-TA-T.
Other names: c.2663+2del (NM_001329090.2).
Identifiers: ClinVar variation 1704213 (VCV001704213.3), dbSNP rs2524538503, ClinGen allele CA2580060598.